The following is an entry in ClinVar:

NM_006031.6(PCNT):c.8752-2A>C

Gene: PCNT (pericentrin; plus strand). Cytogenetic location: 21q22.3.
Variant type: single nucleotide variant.
Coding change: c.8752-2A>C on transcript NM_006031.6 (MANE Select); the canonical splice acceptor site of the intron before coding-DNA position 8752, A replaced by C.
Molecular consequence: splice acceptor variant.
Genome position (GRCh38, 1-based): chr21:46,435,902, A>C. VCF-style: chr21-46435902-A-C. GRCh37 (hg19) VCF-style: chr21-47855815-A-C.
Other names: c.8161-2A>C (NM_001315529.2).
Identifiers: ClinVar variation 982268 (VCV000982268.2), dbSNP rs1394951912, ClinGen allele CA410574528.
Genomic context (GRCh38, chr21:46,435,902, plus strand): 5'-GGCAGTTTTGTTTTTGGACACTGACGTGAACGTCTTCTCTGTCTTTTTTCTGTTAACAAC[A>C]GCGAGAATTAGAACTGCAGCGTCAGCGTGACTTGCATAAGATCAAGCAGCTTCAGCAGAC-3'

ClinVar aggregate classification (germline): Pathogenic (1 of 4 stars; one submission).

Conditions:
Microcephalic osteodysplastic primordial dwarfism type II (MOPD2). Also called: Microcephalic osteodysplastic primordial dwarfism with tooth abnormalities; MOPD II; OSTEODYSPLASTIC PRIMORDIAL DWARFISM, TYPE II. Identifiers: Orphanet 2637, MedGen C0432246, MONDO:0008872, OMIM 210720.

Submission:

Department of Medical Genetics, Sanjay Gandhi Post Graduate Institute of Medical Sciences
Classification: Pathogenic for Microcephalic osteodysplastic primordial dwarfism type II. Review status: criteria provided, single submitter. Criteria: ACMG Guidelines, 2015. Collection method: research. Allele origin: germline. Inheritance: Autosomal recessive inheritance. Affected: yes. Observed: 1 homozygote.
Comment: Analysis of the exome sequencing data showed a novel homozygous sequence variant in PCNT gene. This variant is predicted as Disease Causing by MutationTaster. This variant is not found in ExAC and 1000G databases.